The following is an entry in ClinVar:

ClinVar aggregate classification (germline): Uncertain significance (1 of 4 stars; one submission).

Submission:

Labcorp Genetics (formerly Invitae), Labcorp
Classification: Uncertain significance. Last evaluated: 2022-03-21. Review status: criteria provided, single submitter. Criteria: Invitae Variant Classification Sherloc (09022015). Collection method: clinical testing. Allele origin: germline.
Comment: In summary, the available evidence is currently insufficient to determine the role of this variant in disease. Therefore, it has been classified as a Variant of Uncertain Significance. Experimental studies and prediction algorithms are not available or were not evaluated, and the functional significance of this variant is currently unknown. This variant has not been reported in the literature in individuals affected with PHIP-related conditions. This variant is not present in population databases (gnomAD no frequency). This sequence change replaces glutamic acid, which is acidic and polar, with alanine, which is neutral and non-polar, at codon 823 of the PHIP protein (p.Glu823Ala).

NM_017934.7(PHIP):c.2468A>C (p.Glu823Ala)

Gene: PHIP (PHIP subunit of CUL4-Ring ligase complex; minus strand). Cytogenetic location: 6q14.1.
Variant type: single nucleotide variant.
Coding change: c.2468A>C on transcript NM_017934.7 (MANE Select); coding-DNA position 2468, A replaced by C.
Protein change: p.Glu823Ala; replaces glutamic acid 823 with alanine.
Molecular consequence: missense variant.
Genome position (GRCh38, 1-based): chr6:78,985,421, T>G on the plus strand (A>C on the coding strand, the complement: PHIP is on the minus strand). VCF-style: chr6-78985421-T-G. GRCh37 (hg19) VCF-style: chr6-79695138-T-G.
Other names: short protein forms E823A.
Identifiers: ClinVar variation 2066534 (VCV002066534.4), dbSNP rs778425219, ClinGen allele CA364650563.
Genomic context (GRCh38, chr6:78,985,421, plus strand): 5'-CCATCACTGTGCCATGCTCTCTCTTCTTCTTCGGATGTTCCACCACTGACAGCAACTACT[T>G]CGCCTTCCTAAGATATGTTGAATACATGTCTTATTGCATAATTTTATAAAATAACATTTT-3'
Protein context (NP_060404.4, residues 813-833): ENGSSSSDEG[Glu823Ala]VVAVSGGTSE